The following is an entry in ClinVar:

NM_014629.4(ARHGEF10):c.3763G>A (p.Asp1255Asn)

Gene: ARHGEF10 (Rho guanine nucleotide exchange factor 10; plus strand). Cytogenetic location: 8p23.3.
Variant type: single nucleotide variant.
Coding change: c.3763G>A on transcript NM_014629.4 (MANE Select); coding-DNA position 3763, G replaced by A.
Protein change: p.Asp1255Asn; replaces aspartic acid 1255 with asparagine.
Molecular consequence: missense variant.
Genome position (GRCh38, 1-based): chr8:1,956,991, G>A. VCF-style: chr8-1956991-G-A. GRCh37 (hg19) VCF-style: chr8-1905157-G-A.
Other names: c.3649G>A, p.Asp1217Asn (NM_001308152.2); c.3763G>A, p.Asp1255Asn (NM_001308153.3); short protein forms D1279N, D1255N, D1217N.
Identifiers: ClinVar variation 776278 (VCV000776278.15), dbSNP rs145754440, ClinGen allele CA4601485.

ClinVar aggregate classification (germline): Conflicting classifications of pathogenicity. Review status: criteria provided, conflicting classifications (1 of 4 stars). 6 submissions from 6 submitters: Uncertain significance (1); Likely benign (4). 1 of the submissions does not count toward it. Last evaluated 2026-06-01.

Conditions:
ARHGEF10-related disorder. Also called: ARHGEF10-related condition.

Allele frequency attached by ClinVar (database versions not stated): gnomAD exomes 0.00053; ExAC 0.00061; 1000 Genomes Project 30x 0.00172; 1000 Genomes Project 0.00180; TOPMed 0.00208; ESP Exome Variant Server 0.00215; gnomAD 0.00232.

Submissions (6):

Women's Health and Genetics/Laboratory Corporation of America, LabCorp
Classification: Likely benign. Last evaluated: 2026-06-01. Review status: criteria provided, single submitter. Criteria: LabCorp Variant Classification Summary - May 2015. Collection method: clinical testing. Allele origin: germline.
Comment: Variant summary: ARHGEF10 c.3763G>A (p.Asp1255Asn) results in a conservative amino acid change in the encoded protein sequence. Algorithms developed to predict the effect of missense changes on protein structure and function all suggest that this variant is likely to be tolerated. The variant allele was found at a frequency of 0.00053 in 251442 control chromosomes, predominantly at a frequency of 0.0074 within the African or African-American subpopulation in the gnomAD database. The observed variant frequency within African or African-American control individuals in the gnomAD database exceeds the estimated maximal expected allele frequency for disease-causing variants in ARHGEF10. To our knowledge, no occurrence of c.3763G>A in individuals affected with ARHGEF10-related conditions and no experimental evidence demonstrating its impact on protein function have been reported. ClinVar contains an entry for this variant (Variation ID: 776278). Based on the evidence outlined above, the variant was classified as likely benign.

Labcorp Genetics (formerly Invitae), Labcorp
Classification: Likely benign. Last evaluated: 2026-01-27. Review status: criteria provided, single submitter. Criteria: Invitae Variant Classification Sherloc (09022015). Collection method: clinical testing. Allele origin: germline.

Ambry Genetics
Classification: Uncertain significance. Last evaluated: 2025-08-25. Review status: criteria provided, single submitter. Criteria: Ambry Variant Classification Scheme 2023. Collection method: clinical testing. Allele origin: germline.

Blueprint Genetics
Classification: Likely benign. Last evaluated: 2024-06-05. Review status: criteria provided, single submitter. Criteria: ACMG Guidelines, 2015. Collection method: clinical testing. Allele origin: germline.

Breakthrough Genomics
Classification: Likely benign. Review status: criteria provided, single submitter. Criteria: ACMG Guidelines, 2015. Collection method: not provided. Allele origin: germline. Inheritance: Autosomal dominant inheritance. Affected: yes.

PreventionGenetics, part of Exact Sciences
Classification: Benign for ARHGEF10-related condition. Last evaluated: 2019-05-08. Review status: no assertion criteria provided. Collection method: clinical testing. Allele origin: germline. Not counted in ClinVar's aggregate classification.
Comment: This variant is classified as benign based on ACMG/AMP sequence variant interpretation guidelines (Richards et al. 2015 PMID: 25741868, with internal and published modifications).